The following is an entry in ClinVar:

ClinVar aggregate classification (germline): Uncertain significance. Review status: criteria provided, multiple submitters, no conflicts (2 of 4 stars). 2 submissions from 2 submitters: Uncertain significance (2). Last evaluated 2025-03-04.

Conditions:
Hereditary cancer-predisposing syndrome. Also called: Neoplastic Syndromes, Hereditary; Tumor predisposition; Hereditary Cancer Syndrome; Hereditary neoplastic syndrome. Identifiers: Orphanet 140162, MedGen C0027672, MeSH D009386, MONDO:0015356.
EGFR-related lung cancer (EGFR). Identifiers: MedGen CN130014.

Allele frequency attached by ClinVar (database versions not stated): gnomAD exomes below 0.00001.

Submissions (2):

Ambry Genetics
Classification: Uncertain significance for Hereditary cancer-predisposing syndrome. Last evaluated: 2025-03-04. Review status: criteria provided, single submitter. Criteria: Ambry Variant Classification Scheme 2023. Collection method: clinical testing. Allele origin: germline.
Comment: The p.Q188R variant (also known as c.563A>G), located in coding exon 5 of the EGFR gene, results from an A to G substitution at nucleotide position 563. The glutamine at codon 188 is replaced by arginine, an amino acid with highly similar properties. This amino acid position is not well conserved in available vertebrate species. In addition, this alteration is predicted to be tolerated by in silico analysis. Based on the available evidence, the clinical significance of this variant remains unclear.

Labcorp Genetics (formerly Invitae), Labcorp
Classification: Uncertain significance for EGFR-related lung cancer. Last evaluated: 2024-06-15. Review status: criteria provided, single submitter. Criteria: Invitae Variant Classification Sherloc (09022015). Collection method: clinical testing. Allele origin: germline.
Comment: This sequence change replaces glutamine, which is neutral and polar, with arginine, which is basic and polar, at codon 188 of the EGFR protein (p.Gln188Arg). This variant is not present in population databases (gnomAD no frequency). This variant has not been reported in the literature in individuals affected with EGFR-related conditions. ClinVar contains an entry for this variant (Variation ID: 1025303). Advanced modeling of protein sequence and biophysical properties (such as structural, functional, and spatial information, amino acid conservation, physicochemical variation, residue mobility, and thermodynamic stability) performed at Invitae indicates that this missense variant is not expected to disrupt EGFR protein function with a negative predictive value of 80%. In summary, the available evidence is currently insufficient to determine the role of this variant in disease. Therefore, it has been classified as a Variant of Uncertain Significance.

NM_005228.5(EGFR):c.563A>G (p.Gln188Arg)

Gene: EGFR (epidermal growth factor receptor; plus strand). Cytogenetic location: 7p11.2.
Variant type: single nucleotide variant.
Coding change: c.563A>G on transcript NM_005228.5 (MANE Select); coding-DNA position 563, A replaced by G.
Protein change: p.Gln188Arg; replaces glutamine 188 with arginine.
Molecular consequence: missense variant. On other transcripts: intron variant (1).
Genome position (GRCh38, 1-based): chr7:55,151,297, A>G. VCF-style: chr7-55151297-A-G. GRCh37 (hg19) VCF-style: chr7-55218990-A-G.
Other names: c.428A>G, p.Gln143Arg (NM_001346897.2, NM_001346899.2); c.563A>G, p.Gln188Arg (NM_001346898.2, NM_201282.2, NM_201283.2 and 1 more transcripts); c.404A>G, p.Gln135Arg (NM_001346900.2); c.89-4533A>G (NM_001346941.2); c.563A>G (NM_005228.3); short protein forms Q135R, Q143R, Q188R.
Identifiers: ClinVar variation 1025303 (VCV001025303.9), dbSNP rs1785138281, ClinGen allele CA367576785.